The following is an entry in ClinVar:

ClinVar aggregate classification (germline): Uncertain significance (1 of 4 stars; one submission).

Submission:

Mayo Clinic Laboratories, Mayo Clinic
Classification: Uncertain significance. Last evaluated: 2025-04-03. Review status: criteria provided, single submitter. Criteria: ACMG Guidelines, 2015. Collection method: clinical testing. Allele origin: germline. Observed: 1 variant allele.
Comment: PM4

NM_000435.3(NOTCH3):c.5917_5919del

Gene: NOTCH3 (notch receptor 3; minus strand). Cytogenetic location: 19p13.12.
Variant type: Microsatellite.
Coding change: c.5917_5919del on transcript NM_000435.3 (MANE Select); coding-DNA positions 5917 to 5919, 3 bases deleted (GAG; older notation c.5917_5919delGAG).
Molecular consequence: splice acceptor variant.
Genome position (GRCh38, 1-based): chr19:15,161,709-15,161,711, CTC deleted on the plus strand (GAG on the coding strand, the reverse complement: NOTCH3 is on the minus strand); deleting any 3 consecutive bases within chr19:15,161,709-15,161,716 gives the same sequence; the c. name uses the placement nearest the transcript's 3' end. VCF-style (leftmost placement, unchanged base first): chr19-15161708-TCTC-T. GRCh37 (hg19) VCF-style: chr19-15272519-TCTC-T.
Other names: p.Glu1973del.
Identifiers: ClinVar variation 4542314 (VCV004542314.1).